The following is an entry in ClinVar:

ClinVar aggregate classification (germline): Uncertain significance. Review status: criteria provided, multiple submitters, no conflicts (2 of 4 stars). 2 submissions from 2 submitters: Uncertain significance (2). Last evaluated 2025-08-25.

Conditions:
Hereditary cancer-predisposing syndrome. Also called: Hereditary neoplastic syndrome; Tumor predisposition; Neoplastic Syndromes, Hereditary; Hereditary Cancer Syndrome. Identifiers: Orphanet 140162, MedGen C0027672, MeSH D009386, MONDO:0015356.

Allele frequency attached by ClinVar (database versions not stated): TOPMed below 0.00001; ESP Exome Variant Server 0.00008.

Submissions (2):

Ambry Genetics
Classification: Uncertain significance for Hereditary cancer-predisposing syndrome. Last evaluated: 2025-08-25. Review status: criteria provided, single submitter. Criteria: Ambry Variant Classification Scheme 2023. Collection method: clinical testing. Allele origin: germline.
Comment: The p.G116C variant (also known as c.346G>T), located in coding exon 3 of the APC gene, results from a G to T substitution at nucleotide position 346. The glycine at codon 116 is replaced by cysteine, an amino acid with highly dissimilar properties. This amino acid position is conserved. In addition, in silico predictors for this gene do not accurately predict pathogenicity. Missense alterations in APC are not a common cause of disease (Spier I et al. Genet Med. 2024 Feb;26(2):100992) Based on the available evidence, the clinical significance of this variant remains unclear.

GeneDx
Classification: Uncertain significance. Last evaluated: 2015-07-14. Review status: criteria provided, single submitter. Criteria: GeneDx Variant Classification (06012015). Collection method: clinical testing. Allele origin: germline. Affected: yes.
Comment: This variant is denoted APC c.346G>T at the cDNA level, p.Gly116Cys (G116C) at the protein level, and results in the change of a Glycine to a Cysteine (GGT>TGT). This variant has not, to our knowledge, been published in the literature as pathogenic or benign. APC Gly116Cys was not observed at a significant allele frequency in the NHLBI Exome Sequencing Project. Since Glycine and Cysteine differ in polarity, charge, size or other properties, this is considered a non-conservative amino acid substitution. APC Gly116Cys occurs at a position that is conserved across species and is not located in a known functional domain (Azzopardi 2008). In silico analyses are inconsistent regarding the effect this variant may have on protein structure and function. Based on currently available information, it is unclear whether APC Gly116Cys is pathogenic or benign. We consider it to be a variant of uncertain significance.

NM_000038.6(APC):c.346G>T (p.Gly116Cys)

Gene: APC (APC regulator of Wnt signaling pathway; plus strand). Cytogenetic location: 5q22.2.
Variant type: single nucleotide variant.
Coding change: c.346G>T on transcript NM_000038.6 (MANE Select); coding-DNA position 346, G replaced by T.
Protein change: p.Gly116Cys; replaces glycine 116 with cysteine.
Molecular consequence: missense variant. On other transcripts: 5 prime UTR variant (1).
Genome position (GRCh38, 1-based): chr5:112,767,314, G>T. VCF-style: chr5-112767314-G-T. GRCh37 (hg19) VCF-style: chr5-112103011-G-T.
Other names: c.346G>T, p.Gly116Cys (NM_001127510.3, NM_001354895.2, NM_001354896.2 and 2 more transcripts); c.376G>T, p.Gly126Cys (NM_001127511.3, NM_001354897.2, NM_001354902.2); c.271G>T, p.Gly91Cys (NM_001354898.2, NM_001354904.2); c.169G>T, p.Gly57Cys (NM_001354900.2, NM_001354901.2, NM_001354905.2); c.-690G>T (NM_001354906.2); short protein forms G116C, G126C, G57C, G91C.
Identifiers: ClinVar variation 419451 (VCV000419451.5), dbSNP rs142637152, ClinGen allele CA16022079.
Genomic context (GRCh38, chr5:112,767,314, plus strand): 5'-TATGGAAGCCGGGAAGGATCTGTATCAAGCCGTTCTGGAGAGTGCAGTCCTGTTCCTATG[G>T]GTTCATTTCCAAGAAGAGGGTTTGTAAATGGAAGCAGAGAAAGTACTGGATATTTAGAAG-3'
Protein context (NP_000029.2, residues 106-126): RSGECSPVPM[Gly116Cys]SFPRRGFVNG